The following is an entry in ClinVar:

ClinVar aggregate classification (germline): Likely benign. Review status: criteria provided, multiple submitters, no conflicts (2 of 4 stars). 3 submissions from 3 submitters: Likely benign (3). Last evaluated 2025-03-31.

Conditions:
Pyruvate carboxylase deficiency. Also called: Pyruvate Carboxylase Deficiency Disease; ATAXIA WITH LACTIC ACIDOSIS II; LEIGH NECROTIZING ENCEPHALOPATHY DUE TO PYRUVATE CARBOXYLASE DEFICIENCY; LEIGH SYNDROME DUE TO PYRUVATE CARBOXYLASE DEFICIENCY; PC DEFICIENCY. Identifiers: Orphanet 3008, MedGen C0034341, MONDO:0009949, OMIM 266150.

Allele frequency attached by ClinVar (database versions not stated): TOPMed 0.00004.
gnomAD v4.1: 61 of 1,613,526 alleles (0.0038%); highest among the groups gnomAD compares: Admixed American, 0.005%; no homozygotes.

Submissions (3):

Labcorp Genetics (formerly Invitae), Labcorp
Classification: Likely benign for Pyruvate carboxylase deficiency. Last evaluated: 2025-03-31. Review status: criteria provided, single submitter. Criteria: Invitae Variant Classification Sherloc (09022015). Collection method: clinical testing. Allele origin: germline.

Blueprint Genetics
Classification: Likely benign. Last evaluated: 2024-05-08. Review status: criteria provided, single submitter. Criteria: ACMG Guidelines, 2015. Collection method: clinical testing. Allele origin: germline.

GeneDx
Classification: Likely benign. Last evaluated: 2016-05-10. Review status: criteria provided, single submitter. Criteria: GeneDx Variant Classification (06012015). Collection method: clinical testing. Allele origin: germline. Affected: yes.
Comment: This variant is considered likely benign or benign based on one or more of the following criteria: it is a conservative change, it occurs at a poorly conserved position in the protein, it is predicted to be benign by multiple in silico algorithms, and/or has population frequency not consistent with disease.

NM_001040716.2(PC):c.840C>T (p.Ala280=)

Gene: PC (pyruvate carboxylase; minus strand). Cytogenetic location: 11q13.2.
Variant type: single nucleotide variant.
Coding change: c.840C>T on transcript NM_001040716.2 (MANE Select); coding-DNA position 840, C replaced by T.
Protein change: p.Ala280=; no amino-acid change (alanine 280 retained).
Molecular consequence: synonymous variant.
Genome position (GRCh38, 1-based): chr11:66,870,365, G>A on the plus strand (C>T on the coding strand, the complement: PC is on the minus strand). VCF-style: chr11-66870365-G-A. GRCh37 (hg19) VCF-style: chr11-66637836-G-A.
Other names: c.840C>T, p.Ala280= (NM_000920.4, NM_022172.3).
Identifiers: ClinVar variation 378331 (VCV000378331.12), dbSNP rs376393322, ClinGen allele CA6132093.